The following is an entry in ClinVar:

NC_000015.9:g.(?_28000534)_(28171420_?)del

Gene: OCA2 (OCA2 melanosomal transmembrane protein; minus strand). Cytogenetic location: 15q12-13.1.
Variant type: Deletion.
Identifiers: ClinVar variation 3243843 (VCV003243843.1).

ClinVar aggregate classification (germline): Pathogenic (1 of 4 stars; one submission).

Submission:

Labcorp Genetics (formerly Invitae), Labcorp
Classification: Pathogenic. Last evaluated: 2023-04-12. Review status: criteria provided, single submitter. Criteria: Invitae Variant Classification Sherloc (09022015). Collection method: clinical testing. Allele origin: unknown.
Comment: For these reasons, this variant has been classified as Pathogenic. This variant disrupts a region of the OCA2 protein in which other variant(s) (p.Arg811Ser) have been determined to be pathogenic (PMID: 18821858, 28726809). This suggests that this is a clinically significant region of the protein, and that variants that disrupt it are likely to be disease-causing. This variant has not been reported in the literature in individuals affected with OCA2-related conditions. This variant is a gross deletion of the genomic region encompassing exon(s) 19-24 of the OCA2 gene, which includes the termination codon. This deletion extends beyond the assayed region for this gene and therefore may encompass additional genes. While this deletion is not anticipated to lead to nonsense mediated decay, it is expected to alter mRNA translation or result in a truncated protein product.

Literature cited by the submitters: PubMed 18821858; PubMed 28726809.